The following is an entry in ClinVar:

ClinVar aggregate classification (germline): Uncertain significance. Review status: criteria provided, multiple submitters, no conflicts (2 of 4 stars). 2 submissions from 2 submitters: Uncertain significance (2). Last evaluated 2024-10-07.

Conditions:
Inborn genetic diseases. Identifiers: MedGen C0950123, MeSH D030342.

Allele frequency attached by ClinVar (database versions not stated): TOPMed 0.00003; gnomAD 0.00004; ExAC 0.00005; gnomAD exomes 0.00006; ESP Exome Variant Server 0.00015.

Submissions (2):

Ambry Genetics
Classification: Uncertain significance for Inborn genetic diseases. Last evaluated: 2024-10-07. Review status: criteria provided, single submitter. Criteria: Ambry Variant Classification Scheme 2023. Collection method: clinical testing. Allele origin: germline.

GeneDx
Classification: Uncertain significance. Last evaluated: 2022-11-17. Review status: criteria provided, single submitter. Criteria: GeneDx Variant Classification Process June 2021. Collection method: clinical testing. Allele origin: germline. Affected: yes.
Comment: In silico analysis supports that this missense variant does not alter protein structure/function; Has not been previously published as pathogenic or benign to our knowledge

NM_000261.2(MYOC):c.634T>G (p.Phe212Val)

Gene: MYOC (myocilin; minus strand). Cytogenetic location: 1q24.3.
Variant type: single nucleotide variant.
Coding change: c.634T>G on transcript NM_000261.2 (MANE Select); coding-DNA position 634, T replaced by G.
Protein change: p.Phe212Val; replaces phenylalanine 212 with valine.
Molecular consequence: missense variant.
Genome position (GRCh38, 1-based): chr1:171,638,693, A>C on the plus strand (T>G on the coding strand, the complement: MYOC is on the minus strand). VCF-style: chr1-171638693-A-C. GRCh37 (hg19) VCF-style: chr1-171607833-A-C.
Other names: short protein forms F212V.
Identifiers: ClinVar variation 2290608 (VCV002290608.4), dbSNP rs148167336, ClinGen allele CA1244208.